The following is an entry in ClinVar:

ClinVar aggregate classification (germline): Uncertain significance (1 of 4 stars; one submission).

gnomAD v4.1: 3 of 1,386,530 alleles (0.00022%); highest among the groups gnomAD compares: African/African-American, 0.0015%; no homozygotes.

Submission:

Ambry Genetics
Classification: Uncertain significance. Last evaluated: 2025-06-14. Review status: criteria provided, single submitter. Criteria: Ambry Variant Classification Scheme 2023. Collection method: clinical testing. Allele origin: germline.
Comment: The p.P963S variant (also known as c.2887C>T), located in coding exon 11 of the WNK2 gene, results from a C to T substitution at nucleotide position 2887. The proline at codon 963 is replaced by serine, an amino acid with similar properties. This amino acid position is conserved. In addition, this alteration is predicted to be tolerated by in silico analysis. Based on the available evidence, the clinical significance of this variant remains unclear.

NM_006648.4(WNK2):c.2887C>T (p.Pro963Ser)

Gene: WNK2 (WNK lysine deficient protein kinase 2; plus strand). Cytogenetic location: 9q22.31.
Variant type: single nucleotide variant.
Coding change: c.2887C>T on transcript NM_006648.4 (MANE Select); coding-DNA position 2887, C replaced by T.
Protein change: p.Pro963Ser; replaces proline 963 with serine.
Molecular consequence: missense variant.
Genome position (GRCh38, 1-based): chr9:93,259,435, C>T. VCF-style: chr9-93259435-C-T. GRCh37 (hg19) VCF-style: chr9-96021717-C-T.
Other names: c.2887C>T, p.Pro963Ser (NM_001282394.3); short protein forms P963S.
Identifiers: ClinVar variation 3982215 (VCV003982215.1).